The following is an entry in ClinVar:

ClinVar aggregate classification (germline): Uncertain significance. Review status: criteria provided, multiple submitters, no conflicts (2 of 4 stars). 3 submissions from 3 submitters: Uncertain significance (3). Last evaluated 2024-05-29.

Conditions:
Hereditary nonpolyposis colorectal neoplasms. Identifiers: MedGen C0009405, MeSH D003123.
Hereditary cancer-predisposing syndrome. Also called: Hereditary Cancer Syndrome; Hereditary neoplastic syndrome; Neoplastic Syndromes, Hereditary; Tumor predisposition. Identifiers: Orphanet 140162, MedGen C0027672, MeSH D009386, MONDO:0015356.
Endometrial carcinoma. Also called: Endometrial carcinoma, somatic. Identifiers: MedGen C0476089, MONDO:0002447, OMIM 608089, HP:0012114.

Allele frequency attached by ClinVar (database versions not stated): gnomAD exomes below 0.00001.
gnomAD v4.1: 4 of 1,612,436 alleles (0.00025%); highest among the groups gnomAD compares: Non-Finnish European, 0.00034%; no homozygotes.

Submissions (3):

Labcorp Genetics (formerly Invitae), Labcorp
Classification: Uncertain significance for Hereditary nonpolyposis colorectal neoplasms. Last evaluated: 2024-05-29. Review status: criteria provided, single submitter. Criteria: Invitae Variant Classification Sherloc (09022015). Collection method: clinical testing. Allele origin: germline.
Comment: This sequence change replaces tyrosine, which is neutral and polar, with serine, which is neutral and polar, at codon 1044 of the MSH6 protein (p.Tyr1044Ser). This variant is not present in population databases (gnomAD no frequency). This missense change has been observed in individual(s) with clinical features of MSH6-related conditions (PMID: 22144684). ClinVar contains an entry for this variant (Variation ID: 455232). Advanced modeling of protein sequence and biophysical properties (such as structural, functional, and spatial information, amino acid conservation, physicochemical variation, residue mobility, and thermodynamic stability) performed at Invitae indicates that this missense variant is not expected to disrupt MSH6 protein function with a negative predictive value of 95%. In summary, the available evidence is currently insufficient to determine the role of this variant in disease. Therefore, it has been classified as a Variant of Uncertain Significance.

Baylor Genetics
Classification: Uncertain significance for Endometrial carcinoma. Last evaluated: 2023-06-21. Review status: criteria provided, single submitter. Criteria: ACMG Guidelines, 2015. Collection method: clinical testing. Allele origin: unknown.

Ambry Genetics
Classification: Uncertain significance for Hereditary cancer-predisposing syndrome. Last evaluated: 2023-03-27. Review status: criteria provided, single submitter. Criteria: Ambry Variant Classification Scheme 2023. Collection method: clinical testing. Allele origin: germline.
Comment: The p.Y1044S variant (also known as c.3131A>C), located in coding exon 4 of the MSH6 gene, results from an A to C substitution at nucleotide position 3131. The tyrosine at codon 1044 is replaced by serine, an amino acid with dissimilar properties. This amino acid position is conserved. In addition, the in silico prediction for this alteration is inconclusive. Since supporting evidence is limited at this time, the clinical significance of this alteration remains unclear.

Literature cited by the submitters: PubMed 22144684 (cited by Labcorp Genetics (formerly Invitae), Labcorp).

NM_000179.3(MSH6):c.3131A>C (p.Tyr1044Ser)

Gene: MSH6 (mutS homolog 6; plus strand). Cytogenetic location: 2p16.3.
Variant type: single nucleotide variant.
Coding change: c.3131A>C on transcript NM_000179.3 (MANE Select); coding-DNA position 3131, A replaced by C.
Protein change: p.Tyr1044Ser; replaces tyrosine 1044 with serine.
Molecular consequence: missense variant.
Genome position (GRCh38, 1-based): chr2:47,801,114, A>C. VCF-style: chr2-47801114-A-C. GRCh37 (hg19) VCF-style: chr2-48028253-A-C.
Other names: c.2741A>C, p.Tyr914Ser (NM_001281492.2); c.2225A>C, p.Tyr742Ser (NM_001281493.2, NM_001281494.2); short protein forms Y1044S, Y742S, Y914S.
Identifiers: ClinVar variation 455232 (VCV000455232.11), dbSNP rs1553414541, ClinGen allele CA346756664.